The following is an entry in ClinVar:

NM_007294.4(BRCA1):c.55C>A (p.Gln19Lys)

Gene: BRCA1 (BRCA1 DNA repair associated; minus strand). Cytogenetic location: 17q21.31.
Variant type: single nucleotide variant.
Coding change: c.55C>A on transcript NM_007294.4 (MANE Select); coding-DNA position 55, C replaced by A.
Protein change: p.Gln19Lys; replaces glutamine 19 with lysine.
Molecular consequence: missense variant. On other transcripts: 5 prime UTR variant (1), non-coding transcript variant (1).
Genome position (GRCh38, 1-based): chr17:43,124,042, G>T on the plus strand (C>A on the coding strand, the complement: BRCA1 is on the minus strand). VCF-style: chr17-43124042-G-T. GRCh37 (hg19) VCF-style: chr17-41276059-G-T.
Other names: c.55C>A, p.Gln19Lys (NM_001408476.1, NM_001408494.1, NM_001408495.1 and 193 more transcripts); c.-134C>A (NM_001408478.1, NM_001408479.1, NM_001408480.1 and 46 more transcripts); c.-279C>A (NM_001408482.1); c.-250C>A (NM_001408492.1, NM_001407889.1); c.-33C>A (NM_001408496.1, NM_001408498.1, NM_007297.4 and 23 more transcripts); c.-210C>A (NM_001408497.1, NM_001407741.1, NM_001407934.1); c.-206C>A (NM_001408499.1, NM_001408500.1, NM_001408503.1 and 22 more transcripts); c.-203C>A (NM_001408501.1, NM_001407694.1, NM_001407724.1 and 11 more transcripts); and 8 more; short protein forms Q19K.
Identifiers: ClinVar variation 867725 (VCV000867725.3), dbSNP rs397509299, ClinGen allele CA10602048.

Conditions:
Breast-ovarian cancer, familial, susceptibility to, 1 (BROVCA1). Also called: BRCA1 Hereditary Breast and Ovarian Cancer; OVARIAN CANCER, SUSCEPTIBILITY TO. Identifiers: Orphanet 145, MedGen C2676676, MONDO:0011450, OMIM 604370. Disease mechanism: loss of function.

Submission:

Brotman Baty Institute, University of Washington
No classification provided (evidence only). Condition: Breast-ovarian cancer, familial 1. Review status: no classification provided. Collection method: in vitro. Allele origin: not applicable. Functional consequence: functionally_normal.
ClinVar note: "not provided" was previously submitted as the classification for the variant. However, the classification appeared to be based only on an observation of functional data so it was converted to no classification on 2025-07-30.